The following is an entry in ClinVar:

NM_002069.6(GNAI1):c.325G>A (p.Val109Met)

Gene: GNAI1 (G protein subunit alpha i1; plus strand). Cytogenetic location: 7q21.11.
Variant type: single nucleotide variant.
Coding change: c.325G>A on transcript NM_002069.6 (MANE Select); coding-DNA position 325, G replaced by A.
Protein change: p.Val109Met; replaces valine 109 with methionine.
Molecular consequence: missense variant.
Genome position (GRCh38, 1-based): chr7:80,199,246, G>A. VCF-style: chr7-80199246-G-A. GRCh37 (hg19) VCF-style: chr7-79828562-G-A.
Other names: c.169G>A, p.Val57Met (NM_001256414.2); short protein forms V109M, V57M.
Identifiers: ClinVar variation 3897277 (VCV003897277.1).

ClinVar aggregate classification (germline): Uncertain significance (1 of 4 stars; one submission).

gnomAD v4.1: 1 of 1,611,928 alleles (0.000062%); highest among the groups gnomAD compares: Non-Finnish European, 0.000085%; no homozygotes.

Submission:

GeneDx
Classification: Uncertain significance. Last evaluated: 2024-10-31. Review status: criteria provided, single submitter. Criteria: GeneDx Variant Classification Process June 2021. Collection method: clinical testing. Allele origin: germline. Affected: yes.
Comment: Not observed at significant frequency in large population cohorts (gnomAD); In silico analysis indicates that this missense variant does not alter protein structure/function; Has not been previously published as pathogenic or benign to our knowledge